The following is an entry in ClinVar:

NM_004076.5(CRYBB3):c.159_160insTCG (p.Leu53_Glu54insSer)

Gene: CRYBB3 (crystallin beta B3; plus strand). Cytogenetic location: 22q11.23.
Variant type: Insertion.
Coding change: c.159_160insTCG on transcript NM_004076.5 (MANE Select); coding-DNA positions 159 to 160, TCG inserted.
Protein change: p.Leu53_Glu54insSer.
Molecular consequence: inframe insertion.
Genome position: GRCh38 VCF-style: chr22-25202756-T-TGTC. GRCh37 (hg19) VCF-style: chr22-25598723-T-TGTC.
Identifiers: ClinVar variation 2893328 (VCV002893328.3), dbSNP rs573293007, ClinGen allele CA10157683.

ClinVar aggregate classification (germline): Uncertain significance (1 of 4 stars; one submission).

Conditions:
Cataract 22 multiple types. Also called: CATARACT 22, MULTIPLE TYPES, AUTOSOMAL DOMINANT; CATARACT 22, NUCLEAR, AUTOSOMAL RECESSIVE; Cataract 22. Identifiers: Orphanet 91492, MedGen C1857853, MONDO:0012336, OMIM 609741.

Submission:

Labcorp Genetics (formerly Invitae), Labcorp
Classification: Uncertain significance for Cataract 22 multiple types. Last evaluated: 2024-01-04. Review status: criteria provided, single submitter. Criteria: Invitae Variant Classification Sherloc (09022015). Collection method: clinical testing. Allele origin: germline.
Comment: This variant, c.159_160insTCG, results in the insertion of 1 amino acid(s) of the CRYBB3 protein (p.Leu53_Glu54insSer), but otherwise preserves the integrity of the reading frame. This variant is present in population databases (rs573293007, gnomAD 0.09%). This variant has not been reported in the literature in individuals affected with CRYBB3-related conditions. In summary, the available evidence is currently insufficient to determine the role of this variant in disease. Therefore, it has been classified as a Variant of Uncertain Significance.